The following is an entry in ClinVar:

NM_001197104.2(KMT2A):c.7255G>A (p.Glu2419Lys)

Gene: KMT2A (lysine methyltransferase 2A; plus strand). Cytogenetic location: 11q23.3.
Variant type: single nucleotide variant.
Coding change: c.7255G>A on transcript NM_001197104.2 (MANE Select); coding-DNA position 7255, G replaced by A.
Protein change: p.Glu2419Lys; replaces glutamic acid 2419 with lysine.
Molecular consequence: missense variant.
Genome position (GRCh38, 1-based): chr11:118,503,147, G>A. VCF-style: chr11-118503147-G-A. GRCh37 (hg19) VCF-style: chr11-118373862-G-A.
Other names: c.7246G>A, p.Glu2416Lys (NM_005933.4); short protein forms E2416K, E2419K.
Identifiers: ClinVar variation 1204982 (VCV001204982.32), dbSNP rs782181274, ClinGen allele CA6304379.

ClinVar aggregate classification (germline): Conflicting classifications of pathogenicity. Review status: criteria provided, conflicting classifications (1 of 4 stars). 3 submissions from 3 submitters: Uncertain significance (1); Benign (1); Likely benign (1). Last evaluated 2026-01-19.

Allele frequency attached by ClinVar (database versions not stated): gnomAD 0.00004 and 0.00006; ExAC 0.00006; gnomAD exomes 0.00008 and 0.00010; TOPMed 0.00008.
gnomAD v4.1: 123 of 1,613,724 alleles (0.0076%); highest among the groups gnomAD compares: Middle Eastern, 0.099%; no homozygotes.

Submissions (3):

Labcorp Genetics (formerly Invitae), Labcorp
Classification: Uncertain significance. Last evaluated: 2026-01-19. Review status: criteria provided, single submitter. Criteria: Invitae Variant Classification Sherloc (09022015). Collection method: clinical testing. Allele origin: germline.
Comment: This sequence change replaces glutamic acid, which is acidic and polar, with lysine, which is basic and polar, at codon 2419 of the KMT2A protein (p.Glu2419Lys). This variant is present in population databases (rs782181274, gnomAD 0.02%). This missense change has been observed in individual(s) with clinical features of KMT2A-related conditions (PMID: 29203834). ClinVar contains an entry for this variant (Variation ID: 1204982). Invitae Evidence Modeling of protein sequence and biophysical properties (such as structural, functional, and spatial information, amino acid conservation, physicochemical variation, residue mobility, and thermodynamic stability) indicates that this missense variant is not expected to disrupt KMT2A protein function with a negative predictive value of 95%. In summary, the available evidence is currently insufficient to determine the role of this variant in disease. Therefore, it has been classified as a Variant of Uncertain Significance.

CeGaT Center for Human Genetics Tuebingen
Classification: Benign. Last evaluated: 2023-10-01. Review status: criteria provided, single submitter. Criteria: CeGaT Center For Human Genetics Tuebingen Variant Classification Criteria Version 2. Collection method: clinical testing. Allele origin: germline. Affected: yes. Observed: 2 variant alleles.
Comment: KMT2A: BP4, BS1, BS2

GeneDx
Classification: Likely benign. Last evaluated: 2020-10-28. Review status: criteria provided, single submitter. Criteria: GeneDx Variant Classification Process June 2021. Collection method: clinical testing. Allele origin: germline. Affected: yes.

Literature cited by the submitters: PubMed 29203834 (cited by Labcorp Genetics (formerly Invitae), Labcorp).